The following is an entry in ClinVar:

NM_001303256.3(MORC2):c.3024G>A (p.Val1008=)

Gene: MORC2 (MORC family CW-type zinc finger 2; minus strand). Cytogenetic location: 22q12.2.
Variant type: single nucleotide variant.
Coding change: c.3024G>A on transcript NM_001303256.3 (MANE Select); coding-DNA position 3024, G replaced by A.
Protein change: p.Val1008=; no amino-acid change (valine 1008 retained).
Molecular consequence: synonymous variant. On other transcripts: intron variant (1).
Genome position (GRCh38, 1-based): chr22:30,928,025, C>T on the plus strand (G>A on the coding strand, the complement: MORC2 is on the minus strand). VCF-style: chr22-30928025-C-T. GRCh37 (hg19) VCF-style: chr22-31324012-C-T.
Other names: c.2838G>A, p.Val946= (NM_014941.3); c.3021+3G>A (NM_001303257.2).
Identifiers: ClinVar variation 2101834 (VCV002101834.4), dbSNP rs753896900, ClinGen allele CA10186494.

ClinVar aggregate classification (germline): Uncertain significance (1 of 4 stars; one submission).

Conditions:
Charcot-Marie-Tooth disease axonal type 2Z. Also called: CHARCOT-MARIE-TOOTH DISEASE, AXONAL, AUTOSOMAL DOMINANT, TYPE 2Z; CHARCOT-MARIE-TOOTH NEUROPATHY, TYPE 2Z. Identifiers: Orphanet 466768, MedGen C5569025, MONDO:0014736, OMIM 616688.

Allele frequency attached by ClinVar (database versions not stated): ExAC 0.00001.

Submission:

Labcorp Genetics (formerly Invitae), Labcorp
Classification: Uncertain significance for Charcot-Marie-Tooth disease axonal type 2Z. Last evaluated: 2022-02-22. Review status: criteria provided, single submitter. Criteria: Invitae Variant Classification Sherloc (09022015). Collection method: clinical testing. Allele origin: germline.
Comment: In summary, the available evidence is currently insufficient to determine the role of this variant in disease. Therefore, it has been classified as a Variant of Uncertain Significance. Algorithms developed to predict the effect of sequence changes on RNA splicing suggest that this variant may create or strengthen a splice site. This variant has not been reported in the literature in individuals affected with MORC2-related conditions. This variant is present in population databases (rs753896900, gnomAD 0.0009%). This sequence change affects codon 1008 of the MORC2 mRNA. It is a 'silent' change, meaning that it does not change the encoded amino acid sequence of the MORC2 protein.